The following continues an entry in ClinVar:

NM_006949.4(STXBP2):c.1247-1G>C

Gene: STXBP2. ClinVar aggregate classification (germline): Pathogenic. Pathogenic (18).

Submissions 15 to 27 of 27:

Illumina Laboratory Services, Illumina
Classification: Pathogenic for Familial Hemophagocytic Lymphohistiocytosis. Last evaluated: 2016-06-14. Review status: criteria provided, single submitter. Criteria: ICSL Variant Classification 20161018. Collection method: clinical testing. Allele origin: germline.
Comment: The c.1247-1G>C variant occurs in a canonical splice site (acceptor) and is therefore predicted to disrupt or distort the normal gene product. Across a selection of available literature, the c.1247-1G>C variant has been identified in a homozygous state in 11 familial hemophagocytic lymphohistiocytosis patients, in a compound heterozygous state in at least 11 patients, and in a heterozygous state in 9 unaffected family members (zur Stadt et al. 2009; Cote et al. 2009; Rohr et al. 2010; Meeths et al. 2010; Pagel et al. 2012). The c.1247-1G>C variant was absent from 210 controls but is reported at a frequency of 0.00067 in the European (Non-Finnish) population of the Exome Aggregation Consortium. RT-PCR analysis showed that the c.1247-1G>C variant disrupts splicing of the STXBP2 gene, and in vitro functional analysis demonstrated that the variant disrupts binding to syntaxin 11, which is also associated with familial hemophagocytic lymphohistiocytosis (zur Stadt et al. 2009; Pagel et al. 2012). Analysis of peripheral blood mononuclear cells from patients carrying the c.1247-1G>C variant had reduced NK-cell cytotoxicity, NK-cell degranulation, and CTL cytotoxicity compared to control cells (Rohr et al. 2010). Based on the collective evidence and the potential impact of splice acceptor variants, the c.1247-1G>C variant is classified as pathogenic for familial hemophagocytic lymphohistiocytosis.

3billion
Classification: Pathogenic for Familial hemophagocytic lymphohistiocytosis 5. Review status: criteria provided, single submitter. Criteria: ACMG Guidelines, 2015. Collection method: clinical testing. Allele origin: unknown. Affected: yes. Observed: 1 homozygote.
Comment: The variant is observed at an extremely low frequency in the gnomAD v2.1.1 dataset (total allele frequency: 0.020%). The variant is predicted to alter splicing and result in a loss or disruption of normal protein function. Multiple pathogenic loss-of-function variants are reported downstream of the variant. The variant has been reported at least twice as pathogenic with clinical assertions and evidence for the classification (ClinVar ID: VCV000330555 / PMID: 19804848). Therefore, this variant is classified as Pathogenic according to the recommendation of ACMG/AMP guideline.

CENTOGENE GmbH and LLC - Guiding Precision Medicine
Classification: Pathogenic for Familial hemophagocytic lymphohistiocytosis type 5. Review status: criteria provided, single submitter. Criteria: ACMG Guidelines, 2015. Collection method: clinical testing. Allele origin: germline. Affected: yes.

Laboratoire de Génétique Moléculaire, CHU Bordeaux
Classification: Pathogenic. Review status: criteria provided, single submitter. Criteria: ACMG Guidelines, 2015. Collection method: clinical testing. Allele origin: germline. Affected: yes.

OMIM
Classification: Pathogenic for HEMOPHAGOCYTIC LYMPHOHISTIOCYTOSIS, FAMILIAL, 5, WITHOUT MICROVILLUS INCLUSION DISEASE. Last evaluated: 2009-12-01. Review status: no assertion criteria provided. Collection method: literature only. Allele origin: germline. Not counted in ClinVar's aggregate classification.

Clinical Genetics DNA and cytogenetics Diagnostics Lab, Erasmus MC, Erasmus Medical Center
Classification: Pathogenic. Review status: no assertion criteria provided. Collection method: clinical testing. Allele origin: germline. Affected: yes. Study: VKGL Data-share Consensus. Not counted in ClinVar's aggregate classification.

Dr. Peter K. Rogan Lab, Western University
No classification provided (evidence only). Condition: Malignant tumor of urinary bladder. Review status: no classification provided. Collection method: in vitro. Allele origin: not applicable. Functional consequence: skipped exon, retained intron. Not counted in ClinVar's aggregate classification.

Dr. Peter K. Rogan Lab, Western University
No classification provided (evidence only). Condition: Lung cancer. Review status: no classification provided. Collection method: in vitro. Allele origin: not applicable. Functional consequence: skipped exon, retained intron. Not counted in ClinVar's aggregate classification.

Dr. Peter K. Rogan Lab, Western University
No classification provided (evidence only). Condition: Colon adenocarcinoma. Review status: no classification provided. Collection method: in vitro. Allele origin: not applicable. Functional consequence: skipped exon, retained intron. Not counted in ClinVar's aggregate classification.

Dr. Peter K. Rogan Lab, Western University
No classification provided (evidence only). Condition: Thyroid cancer, nonmedullary, 1. Review status: no classification provided. Collection method: in vitro. Allele origin: not applicable. Functional consequence: skipped exon, retained intron. Not counted in ClinVar's aggregate classification.

GeneReviews
No classification provided. Condition: Familial hemophagocytic lymphohistiocytosis 5. Review status: no classification provided. Collection method: literature only. Allele origin: germline. Not counted in ClinVar's aggregate classification.
Comment: Hypomorphic allele [Meeths et al 2010]

Genome Diagnostics Laboratory, University Medical Center Utrecht
Classification: Pathogenic. Review status: no assertion criteria provided. Collection method: clinical testing. Allele origin: germline. Affected: yes. Study: VKGL Data-share Consensus. Not counted in ClinVar's aggregate classification.

Joint Genome Diagnostic Labs from Nijmegen and Maastricht, Radboudumc and MUMC+
Classification: Pathogenic. Review status: no assertion criteria provided. Collection method: clinical testing. Allele origin: germline. Affected: yes. Study: VKGL Data-share Consensus. Not counted in ClinVar's aggregate classification.

Literature cited by the submitters: PubMed 19804848 (cited by 6 submitters); PubMed 19884660 (cited by 5 submitters); PubMed 20558610 (cited by 4 submitters); PubMed 20823128 (cited by 4 submitters); PubMed 22451424 (cited by 5 submitters); PubMed 23687090 (cited by Labcorp Genetics (formerly Invitae), Labcorp); PubMed 27577878 (cited by Labcorp Genetics (formerly Invitae), Labcorp); PubMed 32542393 (cited by Women's Health and Genetics/Laboratory Corporation of America, LabCorp).